The following is an entry in ClinVar:

ClinVar aggregate classification (germline): Likely pathogenic (1 of 4 stars; one submission).

Conditions:
Glycine encephalopathy. Also called: Non-ketotic hyperglycinemia; Nonketotic hyperglycinemia. Identifiers: Orphanet 407, MedGen C0751748, MONDO:0011612, HP:0008288.

Submission:

Myriad Genetics, Inc.
Classification: Likely pathogenic for Glycine encephalopathy 1. Last evaluated: 2022-03-31. Review status: criteria provided, single submitter. Criteria: Myriad Women's Health Autosomal Recessive and X-Linked Classification Criteria (2021). Collection method: clinical testing. Allele origin: unknown.
Comment: NM_000170.2(GLDC):c.1619_1621delAACinsT(K540Ifs*4) is expected to be pathogenic in the context of glycine encephalopathy, GLDC-related. This variant is predicted to lead to an abnormal or absent protein product due to the creation of a premature termination codon in GLDC, a gene where loss-of-function variants are known to be pathogenic. Please note: this variant was assessed in the context of healthy population screening.

NM_000170.3(GLDC):c.1619_1621delinsT (p.Lys540fs)

Gene: GLDC (glycine decarboxylase; minus strand). Cytogenetic location: 9p24.1.
Variant type: Indel.
Coding change: c.1619_1621delinsT on transcript NM_000170.3 (MANE Select); coding-DNA positions 1619 to 1621, AAC replaced by T.
Protein change: p.Lys540fs; shifts the reading frame from lysine 540.
Molecular consequence: frameshift variant.
Genome position (GRCh38, 1-based): chr9:6,588,662-6,588,664, GTT replaced by A on the plus strand (AAC replaced by T on the coding strand, the reverse complement: GLDC is on the minus strand). VCF-style: chr9-6588662-GTT-A. GRCh37 (hg19) VCF-style: chr9-6588662-GTT-A.
Other names: short protein forms K540fs.
Identifiers: ClinVar variation 1725740 (VCV001725740.2), dbSNP rs2489079018, ClinGen allele CA2580080238.